The following is an entry in ClinVar:

ClinVar aggregate classification (germline): Uncertain significance (1 of 4 stars; one submission).

Submission:

Ambry Genetics
Classification: Uncertain significance. Last evaluated: 2024-08-29. Review status: criteria provided, single submitter. Criteria: Ambry Variant Classification Scheme 2023. Collection method: clinical testing. Allele origin: germline.
Comment: The c.1977+5G>T intronic variant results from a G to T substitution 5 nucleotides after coding exon 19 in the KIF1B gene. This nucleotide position is highly conserved in available vertebrate species. In silico splice site analysis for this alteration is inconclusive. The evidence for this gene-disease relationship is limited; therefore, the clinical significance of this alteration is unclear.

NM_001365951.3(KIF1B):c.2115+5G>T

Gene: KIF1B (kinesin family member 1B; plus strand). Cytogenetic location: 1p36.22.
Variant type: single nucleotide variant.
Coding change: c.2115+5G>T on transcript NM_001365951.3 (MANE Select); 5 bases into the intron after coding-DNA position 2115, G replaced by T.
Molecular consequence: intron variant.
Genome position (GRCh38, 1-based): chr1:10,297,251, G>T. VCF-style: chr1-10297251-G-T. GRCh37 (hg19) VCF-style: chr1-10357309-G-T.
Other names: c.1977+5G>T (NM_183416.4, NM_015074.3, NM_001365953.1); c.2115+5G>T (NM_001365952.1).
Identifiers: ClinVar variation 3533905 (VCV003533905.1).
Genomic context (GRCh38, chr1:10,297,251, plus strand): 5'-TCTTATACAAAAAGGAGAAGGAAGAAGCAGATCTTCTTTTGGAGCAGCAGAGACTGGTAG[G>T]AGTCCTGAATCTGCTAAACTGTTGGGAAAAGGGCAGCTTGTTCCCATACTTTCCCTGTTC-3'